The following is an entry in ClinVar:

NM_002878.4(RAD51D):c.968T>G (p.Leu323Ter)

Genes: RAD51D (RAD51 paralog D; minus strand), RAD51L3-RFFL (RAD51L3-RFFL readthrough; minus strand). Cytogenetic location: 17q12.
Variant type: single nucleotide variant.
Coding change: c.968T>G on transcript NM_002878.4 (MANE Select); coding-DNA position 968, T replaced by G.
Protein change: p.Leu323Ter; replaces leucine 323 with a stop codon.
Molecular consequence: nonsense. On other transcripts: non-coding transcript variant (2).
Genome position (GRCh38, 1-based): chr17:35,100,972, A>C on the plus strand (T>G on the coding strand, the complement: RAD51D is on the minus strand). VCF-style: chr17-35100972-A-C. GRCh37 (hg19) VCF-style: chr17-33427991-A-C.
Other names: c.1028T>G, p.Leu343Ter (NM_001142571.2); c.632T>G, p.Leu211Ter (NM_133629.3); short protein forms L323*, L343*, L211*.
Identifiers: ClinVar variation 2563038 (VCV002563038.2), dbSNP rs2142408730, ClinGen allele CA399086061.
Genomic context (GRCh38, chr17:35,100,972, plus strand): 5'-GGGTCCCCAATGCTTCCCTGTTTCCCAAACAACAGCACAGGTCATGTCTGATCACCCTGT[A>C]ATGTGGCACTCTGCTCTGAGGTCCCCCAGGTCCCAATGTCTACCATCTCCTGGAAACCTG-3'

ClinVar aggregate classification (germline): Uncertain significance (1 of 4 stars; one submission).

Conditions:
Hereditary cancer-predisposing syndrome. Also called: Neoplastic Syndromes, Hereditary; Hereditary Cancer Syndrome; Hereditary neoplastic syndrome; Tumor predisposition. Identifiers: Orphanet 140162, MedGen C0027672, MeSH D009386, MONDO:0015356.

Submission:

Ambry Genetics
Classification: Uncertain significance for Hereditary cancer-predisposing syndrome. Last evaluated: 2023-06-06. Review status: criteria provided, single submitter. Criteria: Ambry Variant Classification Scheme 2023. Collection method: clinical testing. Allele origin: germline.
Comment: The p.L323* variant (also known as c.968T>G), located in coding exon 10 of the RAD51D gene, results from a T to G substitution at nucleotide position 968. This changes the amino acid from a leucine to a stop codon within coding exon 10. This alteration occurs at the 3' terminus of theRAD51D gene, is not expected to trigger nonsense-mediated mRNAdecay, and only impacts the last 6 amino acids of the protein. The exact functional effect of this alteration is unknown. Since supporting evidence is limited at this time, the clinical significance of this alteration remains unclear.